The following is an entry in ClinVar:

ClinVar aggregate classification (germline): Uncertain significance (1 of 4 stars; one submission).

Allele frequency attached by ClinVar (database versions not stated): gnomAD exomes 0.00001; ExAC 0.00003.

Submission:

Labcorp Genetics (formerly Invitae), Labcorp
Classification: Uncertain significance. Last evaluated: 2023-10-03. Review status: criteria provided, single submitter. Criteria: Invitae Variant Classification Sherloc (09022015). Collection method: clinical testing. Allele origin: germline.
Comment: This sequence change creates a premature translational stop signal (p.Leu1509Ilefs*9) in the DISP1 gene. While this is not anticipated to result in nonsense mediated decay, it is expected to disrupt the last 16 amino acid(s) of the DISP1 protein. This variant is present in population databases (rs756075684, gnomAD 0.02%). This variant has not been reported in the literature in individuals affected with DISP1-related conditions. ClinVar contains an entry for this variant (Variation ID: 2127863). Experimental studies and prediction algorithms are not available or were not evaluated, and the functional significance of this variant is currently unknown. In summary, the available evidence is currently insufficient to determine the role of this variant in disease. Therefore, it has been classified as a Variant of Uncertain Significance.

NM_001377229.1(DISP1):c.4524dup (p.Leu1509fs)

Gene: DISP1 (dispatched RND transporter family member 1; plus strand). Cytogenetic location: 1q41.
Variant type: Duplication.
Coding change: c.4524dup on transcript NM_001377229.1 (MANE Select); coding-DNA position 4524, one base duplicated (A; older notation c.4524dupA).
Protein change: p.Leu1509fs; shifts the reading frame from leucine 1509.
Molecular consequence: frameshift variant.
Genome position (GRCh38, 1-based): chr1:223,005,921, A duplicated. VCF-style (leftmost placement, unchanged base first): chr1-223005920-T-TA. GRCh37 (hg19) VCF-style: chr1-223179262-T-TA.
Other names: c.3795dup, p.Leu1266fs (NM_001350630.2); c.4524dup, p.Leu1509fs (NM_001369594.1, NM_001377228.1, NM_032890.5); short protein forms L1509fs, L1266fs.
Identifiers: ClinVar variation 2127863 (VCV002127863.4), dbSNP rs756075684, ClinGen allele CA1409598.